The following is an entry in ClinVar:

ClinVar aggregate classification (germline): Uncertain significance (1 of 4 stars; one submission).

Conditions:
Progressive myoclonic epilepsy. Also called: Myoclonus epilepsy; Familial progressive myoclonic epilepsy; Myoclonic Epilepsies, Progressive; Progressive myoclonus epilepsy. Identifiers: Orphanet 308, Orphanet 98261, MedGen C0751778, MONDO:0020074.

Submission:

Labcorp Genetics (formerly Invitae), Labcorp
Classification: Uncertain significance for Progressive myoclonic epilepsy. Last evaluated: 2022-08-09. Review status: criteria provided, single submitter. Criteria: Invitae Variant Classification Sherloc (09022015). Collection method: clinical testing. Allele origin: germline.
Comment: This sequence change replaces valine, which is neutral and non-polar, with isoleucine, which is neutral and non-polar, at codon 133 of the GOSR2 protein (p.Val133Ile). This variant is not present in population databases (gnomAD no frequency). This variant has not been reported in the literature in individuals affected with GOSR2-related conditions. In summary, the available evidence is currently insufficient to determine the role of this variant in disease. Therefore, it has been classified as a Variant of Uncertain Significance. Algorithms developed to predict the effect of missense changes on protein structure and function output the following: SIFT: "Tolerated"; PolyPhen-2: "Benign"; Align-GVGD: "Class C0". The isoleucine amino acid residue is found in multiple mammalian species, which suggests that this missense change does not adversely affect protein function.

NM_004287.5(GOSR2):c.397G>A (p.Val133Ile)

Genes: GOSR2 (golgi SNAP receptor complex member 2; plus strand), LRRC37A2 (leucine rich repeat containing 37 member A2). Cytogenetic location: 17q21.32.
Variant type: single nucleotide variant.
Coding change: c.397G>A on transcript NM_004287.5 (MANE Select); coding-DNA position 397, G replaced by A.
Protein change: p.Val133Ile; replaces valine 133 with isoleucine.
Molecular consequence: missense variant. On other transcripts: non-coding transcript variant (1), intron variant (4).
Genome position (GRCh38, 1-based): chr17:46,935,089, G>A. VCF-style: chr17-46935089-G-A. GRCh37 (hg19) VCF-style: chr17-45012455-G-A.
Other names: c.397G>A, p.Val133Ile (NM_001012511.3, NM_001321133.2, NM_054022.4); c.394G>A, p.Val132Ile (NM_001353114.2); c.343G>A, p.Val115Ile (NM_001363851.2); c.282+2890G>A (NM_001321134.2); c.336+2890G>A (NM_001330252.2); c.333+2890G>A (NM_001353115.2, NM_001353116.2); short protein forms V132I, V115I, V133I.
Identifiers: ClinVar variation 2048348 (VCV002048348.4), dbSNP rs2546294885, ClinGen allele CA400018123.